The following is an entry in ClinVar:

ClinVar aggregate classification (germline): Uncertain significance. Review status: criteria provided, multiple submitters, no conflicts (2 of 4 stars). 3 submissions from 3 submitters: Uncertain significance (3). Last evaluated 2025-12-02.

Conditions:
Inborn genetic diseases. Identifiers: MedGen C0950123, MeSH D030342.
Bartter disease type 3. Also called: Bartter syndrome type 3. Identifiers: Orphanet 112, Orphanet 93605, MedGen C1846343, MONDO:0011822, OMIM 607364.
Bartter disease type 4B. Also called: Bartter syndrome, type 4b, digenic; BARTTER SYNDROME, TYPE 4B, NEONATAL, WITH SENSORINEURAL DEAFNESS; BARTTER SYNDROME, TYPE 4B. Identifiers: Orphanet 112, MedGen C4310805, MONDO:0000909, OMIM 613090.

Allele frequency attached by ClinVar (database versions not stated): gnomAD exomes below 0.00001; TOPMed below 0.00001; ExAC 0.00001; ESP Exome Variant Server 0.00008.

Submissions (3):

Ambry Genetics
Classification: Uncertain significance for Inborn genetic diseases. Last evaluated: 2025-12-02. Review status: criteria provided, single submitter. Criteria: Ambry Variant Classification Scheme 2023. Collection method: clinical testing. Allele origin: germline.

Fulgent Genetics
Classification: Uncertain significance for Bartter disease type 3; Bartter disease type 4B. Last evaluated: 2024-04-01. Review status: criteria provided, single submitter. Criteria: ACMG Guidelines, 2015. Collection method: clinical testing. Allele origin: germline.

Labcorp Genetics (formerly Invitae), Labcorp
Classification: Uncertain significance. Last evaluated: 2022-03-15. Review status: criteria provided, single submitter. Criteria: Invitae Variant Classification Sherloc (09022015). Collection method: clinical testing. Allele origin: germline.
Comment: This variant is present in population databases (rs145121481, gnomAD 0.006%). This sequence change replaces cysteine, which is neutral and slightly polar, with tyrosine, which is neutral and polar, at codon 617 of the CLCNKB protein (p.Cys617Tyr). In summary, the available evidence is currently insufficient to determine the role of this variant in disease. Therefore, it has been classified as a Variant of Uncertain Significance. This variant has not been reported in the literature in individuals affected with CLCNKB-related conditions. Advanced modeling of protein sequence and biophysical properties (such as structural, functional, and spatial information, amino acid conservation, physicochemical variation, residue mobility, and thermodynamic stability) performed at Invitae indicates that this missense variant is not expected to disrupt CLCNKB protein function.

NM_000085.5(CLCNKB):c.1850G>A (p.Cys617Tyr)

Genes: CLCNKB (chloride voltage-gated channel Kb; plus strand), LOC106501713 (CLCNKB recombination region; plus strand). Cytogenetic location: 1p36.13.
Variant type: single nucleotide variant.
Coding change: c.1850G>A on transcript NM_000085.5 (MANE Select); coding-DNA position 1850, G replaced by A.
Protein change: p.Cys617Tyr; replaces cysteine 617 with tyrosine.
Molecular consequence: missense variant.
Genome position (GRCh38, 1-based): chr1:16,055,679, G>A. VCF-style: chr1-16055679-G-A. GRCh37 (hg19) VCF-style: chr1-16382174-G-A.
Other names: c.1850G>A (NM_000085.3); c.1340G>A, p.Cys447Tyr (NM_001165945.2); short protein forms C447Y, C617Y.
Identifiers: ClinVar variation 2166516 (VCV002166516.6), dbSNP rs145121481, ClinGen allele CA624058.